The following is an entry in ClinVar:

NM_015295.3(SMCHD1):c.3030A>G (p.Lys1010=)

Gene: SMCHD1 (structural maintenance of chromosomes flexible hinge domain containing 1; plus strand). Cytogenetic location: 18p11.32.
Variant type: single nucleotide variant.
Coding change: c.3030A>G on transcript NM_015295.3 (MANE Select); coding-DNA position 3030, A replaced by G.
Protein change: p.Lys1010=; no amino-acid change (lysine 1010 retained).
Molecular consequence: synonymous variant.
Genome position (GRCh38, 1-based): chr18:2,729,391, A>G. VCF-style: chr18-2729391-A-G. GRCh37 (hg19) VCF-style: chr18-2729389-A-G.
Identifiers: ClinVar variation 2648517 (VCV002648517.26), dbSNP rs2510085348, ClinGen allele CA502680254.
Genomic context (GRCh38, chr18:2,729,391, plus strand): 5'-CAGTATTTTAACAGGATCTGCAATTCAAGTTCAGAATATTAAAAAAGACCAGACGCTTAA[A>G]GCAAGAATTGAAATACCTGTAAGTTATTATTGTTACTCATTGATATTATATTGAGTCTTC-3'
Protein context (NP_056110.2, residues 1000-1020): VQNIKKDQTL[Lys1010=]ARIEIPSCKD

ClinVar aggregate classification (germline): Likely benign. Review status: criteria provided, multiple submitters, no conflicts (2 of 4 stars). 2 submissions from 2 submitters: Likely benign (2). Last evaluated 2024-10-30.

Conditions:
Facioscapulohumeral muscular dystrophy 2 (FSHD2). Also called: MUSCULAR DYSTROPHY, FACIOSCAPULOHUMERAL, TYPE 1B; FACIOSCAPULOHUMERAL MUSCULAR DYSTROPHY 2, DIGENIC; FSHD2, DIGENIC. Identifiers: Orphanet 269, MedGen C1834671, MONDO:0008031, OMIM 158901.

Submissions (2):

Labcorp Genetics (formerly Invitae), Labcorp
Classification: Likely benign for Facioscapulohumeral muscular dystrophy 2. Last evaluated: 2024-10-30. Review status: criteria provided, single submitter. Criteria: Invitae Variant Classification Sherloc (09022015). Collection method: clinical testing. Allele origin: germline.

CeGaT Center for Human Genetics Tuebingen
Classification: Likely benign. Last evaluated: 2022-10-01. Review status: criteria provided, single submitter. Criteria: CeGaT Center For Human Genetics Tuebingen Variant Classification Criteria Version 2. Collection method: clinical testing. Allele origin: germline. Affected: yes. Observed: 1 variant allele.
Comment: SMCHD1: PM2:Supporting, BP4, BP7